The following is an entry in ClinVar:

NM_032806.6(POMGNT2):c.785A>G (p.Asn262Ser)

Gene: POMGNT2 (protein O-linked mannose N-acetylglucosaminyltransferase 2 (beta 1,4-); minus strand). Cytogenetic location: 3p22.1.
Variant type: single nucleotide variant.
Coding change: c.785A>G on transcript NM_032806.6 (MANE Select); coding-DNA position 785, A replaced by G.
Protein change: p.Asn262Ser; replaces asparagine 262 with serine.
Molecular consequence: missense variant.
Genome position (GRCh38, 1-based): chr3:43,080,647, T>C on the plus strand (A>G on the coding strand, the complement: POMGNT2 is on the minus strand). VCF-style: chr3-43080647-T-C. GRCh37 (hg19) VCF-style: chr3-43122139-T-C.
Other names: short protein forms N262S.
Identifiers: ClinVar variation 1390338 (VCV001390338.5), dbSNP rs538914614, ClinGen allele CA2339995.

ClinVar aggregate classification (germline): Uncertain significance (1 of 4 stars; one submission).

Conditions:
Muscular dystrophy-dystroglycanopathy (congenital with brain and eye anomalies), type a, 8 (MDDGA8). Also called: WALKER-WARBURG SYNDROME OR MUSCLE-EYE-BRAIN DISEASE, GTDC2-RELATED. Identifiers: Orphanet 899, MedGen C3553813, MONDO:0013904, OMIM 614830.

Allele frequency attached by ClinVar (database versions not stated): TOPMed below 0.00001; ExAC 0.00001; gnomAD exomes 0.00001.

Submission:

Labcorp Genetics (formerly Invitae), Labcorp
Classification: Uncertain significance for Muscular dystrophy-dystroglycanopathy (congenital with brain and eye anomalies), type a, 8. Last evaluated: 2021-08-28. Review status: criteria provided, single submitter. Criteria: Invitae Variant Classification Sherloc (09022015). Collection method: clinical testing. Allele origin: germline.
Comment: This sequence change replaces asparagine with serine at codon 262 of the POMGNT2 protein (p.Asn262Ser). The asparagine residue is highly conserved and there is a small physicochemical difference between asparagine and serine. This variant is present in population databases (rs538914614, ExAC 0.006%). This variant has not been reported in the literature in individuals affected with POMGNT2-related conditions. Algorithms developed to predict the effect of missense changes on protein structure and function output the following: SIFT: "Deleterious"; PolyPhen-2: "Benign"; Align-GVGD: "Class C45". The serine amino acid residue is found in multiple mammalian species, which suggests that this missense change does not adversely affect protein function. Algorithms developed to predict the effect of sequence changes on RNA splicing suggest that this variant may create or strengthen a splice site. In summary, the available evidence is currently insufficient to determine the role of this variant in disease. Therefore, it has been classified as a Variant of Uncertain Significance.